The following is an entry in ClinVar:

ClinVar aggregate classification (germline): Likely benign (0 of 4 stars; one submission).

Conditions:
CFAP300-related disorder. Also called: CFAP300-related condition.

Submission:

PreventionGenetics, part of Exact Sciences
Classification: Likely benign for CFAP300-related condition. Last evaluated: 2024-09-17. Review status: no assertion criteria provided. Collection method: clinical testing. Allele origin: germline.
Comment: This variant is classified as likely benign based on ACMG/AMP sequence variant interpretation guidelines (Richards et al. 2015 PMID: 25741868, with internal and published modifications).

NM_032930.3(CFAP300):c.198_200del (p.Phe67del)

Gene: CFAP300 (cilia and flagella associated protein 300; plus strand). Cytogenetic location: 11q22.1.
Variant type: Deletion.
Coding change: c.198_200del on transcript NM_032930.3 (MANE Select); coding-DNA positions 198 to 200, 3 bases deleted (TTT; older notation c.198_200delTTT).
Protein change: p.Phe67del; deletes phenylalanine 67.
Molecular consequence: inframe deletion.
Genome position (GRCh38, 1-based): chr11:102,058,885-102,058,887, TTT deleted; deleting any 3 consecutive bases within chr11:102,058,882-102,058,887 gives the same sequence; the c. name uses the placement nearest the transcript's 3' end. VCF-style (leftmost placement, unchanged base first): chr11-102058881-CTTT-C. GRCh37 (hg19) VCF-style: chr11-101929612-CTTT-C.
Other names: c.198_200del, p.Phe67del (NM_001195005.2, NM_001363505.2); short protein forms F67del.
Identifiers: ClinVar variation 3352549 (VCV003352549.1).